The following is an entry in ClinVar:

NM_000541.5(SAG):c.435+1G>A

Gene: SAG (S-antigen visual arrestin; plus strand). Cytogenetic location: 2q37.1.
Variant type: single nucleotide variant.
Coding change: c.435+1G>A on transcript NM_000541.5 (MANE Select); the canonical splice donor site of the intron after coding-DNA position 435, G replaced by A.
Molecular consequence: splice donor variant.
Genome position (GRCh38, 1-based): chr2:233,323,006, G>A. VCF-style: chr2-233323006-G-A. GRCh37 (hg19) VCF-style: chr2-234231652-G-A.
Identifiers: ClinVar variation 1490119 (VCV001490119.9), dbSNP rs750740193, ClinGen allele CA351046858.

ClinVar aggregate classification (germline): Likely pathogenic. Review status: criteria provided, multiple submitters, no conflicts (2 of 4 stars). 2 submissions from 2 submitters: Likely pathogenic (2). Last evaluated 2024-04-04.

Conditions:
Retinitis pigmentosa 47 (RP47). Identifiers: Orphanet 791, MedGen C3151061, MONDO:0013407, OMIM 613758.
Retinitis pigmentosa 96 (RP96). Also called: Retinitis pigmentosa 96, autosomal dominant. Identifiers: MedGen C5774303, MONDO:0859367, OMIM 620228.
Oguchi disease-1. Also called: Congenital stationary night blindness Oguchi type 1. Identifiers: MedGen C4551824, MONDO:0009775, OMIM 258100.

Submissions (2):

Fulgent Genetics
Classification: Likely pathogenic for Oguchi disease-1; Retinitis pigmentosa 47; Retinitis pigmentosa 96. Last evaluated: 2024-04-04. Review status: criteria provided, single submitter. Criteria: ACMG Guidelines, 2015. Collection method: clinical testing. Allele origin: germline.

Labcorp Genetics (formerly Invitae), Labcorp
Classification: Likely pathogenic. Last evaluated: 2022-08-31. Review status: criteria provided, single submitter. Criteria: Invitae Variant Classification Sherloc (09022015). Collection method: clinical testing. Allele origin: germline.
Comment: In summary, the currently available evidence indicates that the variant is pathogenic, but additional data are needed to prove that conclusively. Therefore, this variant has been classified as Likely Pathogenic. Algorithms developed to predict the effect of sequence changes on RNA splicing suggest that this variant may disrupt the consensus splice site. ClinVar contains an entry for this variant (Variation ID: 1490119). This variant has not been reported in the literature in individuals affected with SAG-related conditions. This variant is not present in population databases (gnomAD no frequency). This sequence change affects a donor splice site in intron 6 of the SAG gene. It is expected to disrupt RNA splicing. Variants that disrupt the donor or acceptor splice site typically lead to a loss of protein function (PMID: 16199547), and loss-of-function variants in SAG are known to be pathogenic (PMID: 9452120, 15234147, 22665972).

Literature cited by the submitters: PubMed 16199547 (cited by Labcorp Genetics (formerly Invitae), Labcorp); PubMed 9452120 (cited by Labcorp Genetics (formerly Invitae), Labcorp); PubMed 15234147 (cited by Labcorp Genetics (formerly Invitae), Labcorp); PubMed 22665972 (cited by Labcorp Genetics (formerly Invitae), Labcorp).